The following is an entry in ClinVar:

NM_006985.4(NPIPA1):c.800C>A (p.Ser267Tyr)

Gene: NPIPA1 (nuclear pore complex interacting protein family member A1; plus strand). Cytogenetic location: 16p13.11.
Variant type: single nucleotide variant.
Coding change: c.800C>A on transcript NM_006985.4 (MANE Select); coding-DNA position 800, C replaced by A.
Protein change: p.Ser267Tyr; replaces serine 267 with tyrosine.
Molecular consequence: missense variant. On other transcripts: non-coding transcript variant (1).
Genome position (GRCh38, 1-based): chr16:14,951,772, C>A. VCF-style: chr16-14951772-C-A. GRCh37 (hg19) VCF-style: chr16-15045629-C-A.
Other names: short protein forms S267Y.
Identifiers: ClinVar variation 4861151 (VCV004861151.1).

ClinVar aggregate classification (germline): Uncertain significance (1 of 4 stars; one submission).

gnomAD v4.1: 15 of 1,489,994 alleles (0.001%); highest among the groups gnomAD compares: Middle Eastern, 0.022%; 2 homozygotes.

Submission:

Ambry Genetics
Classification: Uncertain significance. Last evaluated: 2026-06-04. Review status: criteria provided, single submitter. Criteria: Ambry Variant Classification Scheme 2023. Collection method: clinical testing. Allele origin: germline.
Comment: The c.800C>A (p.S267Y) alteration is located in exon 8 (coding exon 8) of the NPIPA1 gene. This alteration results from a C to A substitution at nucleotide position 800, causing the serine (S) at amino acid position 267 to be replaced by a tyrosine (Y). Based on data from gnomAD, the A allele has an overall frequency of 0.001% (2/208112) total alleles studied. The highest observed frequency was 0.002% (2/101654) of European (non-Finnish) alleles. Based on insufficient or conflicting evidence, the clinical significance of this alteration remains unclear.